The following is an entry in ClinVar:

NM_014712.3(SETD1A):c.1363G>T (p.Glu455Ter)

Gene: SETD1A (SET domain containing 1A, histone lysine methyltransferase; plus strand). Cytogenetic location: 16p11.2.
Variant type: single nucleotide variant.
Coding change: c.1363G>T on transcript NM_014712.3 (MANE Select); coding-DNA position 1363, G replaced by T.
Protein change: p.Glu455Ter; replaces glutamic acid 455 with a stop codon.
Molecular consequence: nonsense.
Genome position (GRCh38, 1-based): chr16:30,965,105, G>T. VCF-style: chr16-30965105-G-T. GRCh37 (hg19) VCF-style: chr16-30976426-G-T.
Other names: short protein forms E455*.
Identifiers: ClinVar variation 5037750 (VCV005037750.1).

ClinVar aggregate classification (germline): Pathogenic (1 of 4 stars; one submission).

Submission:

GeneDx
Classification: Pathogenic. Last evaluated: 2026-04-13. Review status: criteria provided, single submitter. Criteria: GeneDx Variant Classification Process June 2021. Collection method: clinical testing. Allele origin: germline.
Comment: Nonsense variant predicted to result in protein truncation or nonsense mediated decay in a gene for which loss of function is a known mechanism of disease; Not observed at significant frequency in large population cohorts (gnomAD); This variant is associated with the following publications: (PMID: 32346159)